The following is an entry in ClinVar:

ClinVar aggregate classification (germline): Uncertain significance (1 of 4 stars; one submission).

Conditions:
Autosomal recessive limb-girdle muscular dystrophy type 2A (LGMDR1). Also called: MUSCULAR DYSTROPHY, PELVOFEMORAL; Muscular dystrophy, limb-girdle, type 2A, Amish; Limb-girdle muscular dystrophy, type 2A; LEYDEN-MOEBIUS MUSCULAR DYSTROPHY; Calpainopathy. Identifiers: Orphanet 267, MedGen C1869123, MONDO:0009675, OMIM 253600. Disease mechanism: loss of function.

gnomAD v4.1: 1 of 1,613,604 alleles (0.000062%); highest among the groups gnomAD compares: Non-Finnish European, 0.000085%; no homozygotes.

Submission:

Labcorp Genetics (formerly Invitae), Labcorp
Classification: Uncertain significance for Autosomal recessive limb-girdle muscular dystrophy type 2A. Last evaluated: 2025-01-06. Review status: criteria provided, single submitter. Criteria: Invitae Variant Classification Sherloc (09022015). Collection method: clinical testing. Allele origin: germline.
Comment: This sequence change replaces tyrosine, which is neutral and polar, with histidine, which is basic and polar, at codon 401 of the CAPN3 protein (p.Tyr401His). This variant is not present in population databases (gnomAD no frequency). This missense change has been observed in individual(s) with limb-girdle muscular dystrophy (PMID: 33337384). Invitae Evidence Modeling of protein sequence and biophysical properties (such as structural, functional, and spatial information, amino acid conservation, physicochemical variation, residue mobility, and thermodynamic stability) indicates that this missense variant is expected to disrupt CAPN3 protein function with a positive predictive value of 80%. This variant disrupts the p.Tyr401 amino acid residue in CAPN3. Other variant(s) that disrupt this residue have been determined to be pathogenic (PMID: 33337384). This suggests that this residue is clinically significant, and that variants that disrupt this residue are likely to be disease-causing. In summary, the available evidence is currently insufficient to determine the role of this variant in disease. Therefore, it has been classified as a Variant of Uncertain Significance.

Literature cited by the submitters: PubMed 33337384.

NM_000070.3(CAPN3):c.1201T>C (p.Tyr401His)

Gene: CAPN3 (calpain 3; plus strand). Cytogenetic location: 15q15.1.
Variant type: single nucleotide variant.
Coding change: c.1201T>C on transcript NM_000070.3 (MANE Select); coding-DNA position 1201, T replaced by C.
Protein change: p.Tyr401His; replaces tyrosine 401 with histidine.
Molecular consequence: missense variant.
Genome position (GRCh38, 1-based): chr15:42,399,499, T>C. VCF-style: chr15-42399499-T-C. GRCh37 (hg19) VCF-style: chr15-42691697-T-C.
Other names: c.1201T>C, p.Tyr401His (NM_024344.2); c.1057T>C, p.Tyr353His (NM_173087.2); short protein forms Y353H, Y401H.
Identifiers: ClinVar variation 3719679 (VCV003719679.1).